The following is an entry in ClinVar:

ClinVar aggregate classification (germline): Pathogenic. Review status: criteria provided, multiple submitters, no conflicts (2 of 4 stars). 4 submissions from 4 submitters: Pathogenic (4). Last evaluated 2026-09-22.

Conditions:
Monogenic hearing loss.
OTOGL-related disorder. Also called: OTOGL-related condition.

Submissions (4):

Genetics Laboratory, Great Ormond Street Hospital NHS Foundation Trust, North Thames Genomic Laboratory Hub
Classification: Pathogenic for Monogenic hearing loss. Last evaluated: 2026-09-22. Review status: criteria provided, single submitter. Criteria: ACGS Best Practice Guidelines for Variant Classification in Rare Disease 2024 v1.2. Collection method: clinical testing. Allele origin: germline. Affected: yes.
Comment: PM2_supporting, PVS1_very-strong, PM3_moderate

Blueprint Genetics
Classification: Pathogenic for OTOGL-related disorders. Last evaluated: 2024-08-09. Review status: criteria provided, single submitter. Criteria: ACMG Guidelines, 2015. Collection method: clinical testing. Allele origin: germline. Affected: yes. Observed: 5 variant alleles.

Labcorp Genetics (formerly Invitae), Labcorp
Classification: Pathogenic. Last evaluated: 2024-03-14. Review status: criteria provided, single submitter. Criteria: Invitae Variant Classification Sherloc (09022015). Collection method: clinical testing. Allele origin: germline.
Comment: This sequence change creates a premature translational stop signal (p.Glu1869Argfs*24) in the OTOGL gene. It is expected to result in an absent or disrupted protein product. Loss-of-function variants in OTOGL are known to be pathogenic (PMID: 23122586). This variant is present in population databases (rs754300929, gnomAD 0.007%). This variant has not been reported in the literature in individuals affected with OTOGL-related conditions. ClinVar contains an entry for this variant (Variation ID: 1693320). For these reasons, this variant has been classified as Pathogenic.

GeneDx
Classification: Pathogenic. Last evaluated: 2023-05-25. Review status: criteria provided, single submitter. Criteria: GeneDx Variant Classification Process June 2021. Collection method: clinical testing. Allele origin: germline. Affected: yes.
Comment: Frameshift variant predicted to result in protein truncation or nonsense mediated decay in a gene for which loss-of-function is a known mechanism of disease; Has not been previously published as pathogenic or benign to our knowledge

Literature cited by the submitters: PubMed 23122586 (cited by Labcorp Genetics (formerly Invitae), Labcorp).

NM_001378609.3(OTOGL):c.5632del (p.Glu1878fs)

Gene: OTOGL (otogelin like; plus strand). Cytogenetic location: 12q21.31.
Variant type: Deletion.
Coding change: c.5632del on transcript NM_001378609.3 (MANE Select); coding-DNA position 5632, one base deleted (G; older notation c.5632delG).
Protein change: p.Glu1878fs; shifts the reading frame from glutamic acid 1878.
Molecular consequence: frameshift variant.
Genome position (GRCh38, 1-based): chr12:80,355,774, G deleted; the last of 4 consecutive G bases (chr12:80,355,771-80,355,774); deleting any one gives the same sequence. VCF-style (leftmost placement, unchanged base first): chr12-80355770-TG-T. GRCh37 (hg19) VCF-style: chr12-80749550-TG-T.
Other names: c.5497del, p.Glu1833fs (NM_001368062.3); c.5632del, p.Glu1878fs (NM_001378610.3, NM_173591.7); short protein forms E1833fs, E1878fs.
Identifiers: ClinVar variation 1693320 (VCV001693320.8), dbSNP rs754300929, ClinGen allele CA6701770.